The following is an entry in ClinVar:

NM_080680.3(COL11A2):c.4550A>G (p.Asp1517Gly)

Gene: COL11A2 (collagen type XI alpha 2 chain; minus strand). Cytogenetic location: 6p21.32.
Variant type: single nucleotide variant.
Coding change: c.4550A>G on transcript NM_080680.3 (MANE Select); coding-DNA position 4550, A replaced by G.
Protein change: p.Asp1517Gly; replaces aspartic acid 1517 with glycine.
Molecular consequence: missense variant.
Genome position (GRCh38, 1-based): chr6:33,165,749, T>C on the plus strand (A>G on the coding strand, the complement: COL11A2 is on the minus strand). VCF-style: chr6-33165749-T-C. GRCh37 (hg19) VCF-style: chr6-33133526-T-C.
Other names: c.4229A>G, p.Asp1410Gly (NM_080679.3); c.4292A>G, p.Asp1431Gly (NM_080681.3); short protein forms D1410G, D1431G, D1517G.
Identifiers: ClinVar variation 1175704 (VCV001175704.7), dbSNP rs1769033329, ClinGen allele CA363619075.

ClinVar aggregate classification (germline): Uncertain significance. Review status: criteria provided, multiple submitters, no conflicts (2 of 4 stars). 2 submissions from 2 submitters: Uncertain significance (2). Last evaluated 2022-08-06.

Conditions:
Autosomal recessive nonsyndromic hearing loss 53. Identifiers: Orphanet 90636, MedGen C1864746, MONDO:0012333, OMIM 609706.

gnomAD v4.1: 1 of 1,611,976 alleles (0.000062%); highest among the groups gnomAD compares: Non-Finnish European, 0.000085%; no homozygotes.

Submissions (2):

Labcorp Genetics (formerly Invitae), Labcorp
Classification: Uncertain significance. Last evaluated: 2022-08-06. Review status: criteria provided, single submitter. Criteria: Invitae Variant Classification Sherloc (09022015). Collection method: clinical testing. Allele origin: germline.
Comment: This variant has not been reported in the literature in individuals affected with COL11A2-related conditions. In summary, the available evidence is currently insufficient to determine the role of this variant in disease. Therefore, it has been classified as a Variant of Uncertain Significance. Advanced modeling of protein sequence and biophysical properties (such as structural, functional, and spatial information, amino acid conservation, physicochemical variation, residue mobility, and thermodynamic stability) performed at Invitae indicates that this missense variant is not expected to disrupt COL11A2 protein function. ClinVar contains an entry for this variant (Variation ID: 1175704). This variant is not present in population databases (gnomAD no frequency). This sequence change replaces aspartic acid, which is acidic and polar, with glycine, which is neutral and non-polar, at codon 1517 of the COL11A2 protein (p.Asp1517Gly).

Center of Genomic medicine, Geneva, University Hospital of Geneva
Classification: Uncertain significance for Autosomal recessive nonsyndromic hearing loss 53. Last evaluated: 2018-08-06. Review status: criteria provided, single submitter. Criteria: ACMG Guidelines, 2015. Collection method: clinical testing. Allele origin: paternal. Affected: yes. Observed: 1 variant allele.

Literature cited by the submitters: PubMed 25633957 (cited by Center of Genomic medicine, Geneva, University Hospital of Geneva).